The following is an entry in ClinVar:

NM_005477.3(HCN4):c.2128C>T (p.Arg710Cys)

Gene: HCN4 (hyperpolarization activated cyclic nucleotide gated potassium channel 4; minus strand). Cytogenetic location: 15q24.1.
Variant type: single nucleotide variant.
Coding change: c.2128C>T on transcript NM_005477.3 (MANE Select); coding-DNA position 2128, C replaced by T.
Protein change: p.Arg710Cys; replaces arginine 710 with cysteine.
Molecular consequence: missense variant.
Genome position (GRCh38, 1-based): chr15:73,324,104, G>A on the plus strand (C>T on the coding strand, the complement: HCN4 is on the minus strand). VCF-style: chr15-73324104-G-A. GRCh37 (hg19) VCF-style: chr15-73616445-G-A.
Other names: c.2128C>T (NM_005477.2); short protein forms R710C.
Identifiers: ClinVar variation 2060772 (VCV002060772.5), dbSNP rs747045796, ClinGen allele CA393089856.

ClinVar aggregate classification (germline): Uncertain significance. Review status: criteria provided, multiple submitters, no conflicts (2 of 4 stars). 2 submissions from 2 submitters: Uncertain significance (2). Last evaluated 2026-03-07.

Conditions:
Cardiovascular phenotype. Identifiers: MedGen CN230736.
Brugada syndrome 8 (BRGDA8). Identifiers: Orphanet 130, MedGen C2751083, MONDO:0013148, OMIM 613123.

Allele frequency attached by ClinVar (database versions not stated): gnomAD exomes below 0.00001.
gnomAD v4.1: 5 of 1,613,134 alleles (0.00031%); highest among the groups gnomAD compares: Non-Finnish European, 0.00025%; no homozygotes.

Submissions (2):

Ambry Genetics
Classification: Uncertain significance for Cardiovascular phenotype. Last evaluated: 2026-03-07. Review status: criteria provided, single submitter. Criteria: Ambry Variant Classification Scheme 2023. Collection method: clinical testing. Allele origin: germline.
Comment: The p.R710C variant (also known as c.2128C>T), located in coding exon 7 of the HCN4 gene, results from a C to T substitution at nucleotide position 2128. The arginine at codon 710 is replaced by cysteine, an amino acid with highly dissimilar properties. This amino acid position is conserved. In addition, the in silico prediction for this alteration is inconclusive. Based on the available evidence, the clinical significance of this variant remains unclear.

Labcorp Genetics (formerly Invitae), Labcorp
Classification: Uncertain significance for Brugada syndrome 8. Last evaluated: 2024-01-31. Review status: criteria provided, single submitter. Criteria: Invitae Variant Classification Sherloc (09022015). Collection method: clinical testing. Allele origin: germline.
Comment: This sequence change replaces arginine, which is basic and polar, with cysteine, which is neutral and slightly polar, at codon 710 of the HCN4 protein (p.Arg710Cys). This variant is not present in population databases (gnomAD no frequency). This variant has not been reported in the literature in individuals affected with HCN4-related conditions. ClinVar contains an entry for this variant (Variation ID: 2060772). Advanced modeling of protein sequence and biophysical properties (such as structural, functional, and spatial information, amino acid conservation, physicochemical variation, residue mobility, and thermodynamic stability) performed at Invitae indicates that this missense variant is expected to disrupt HCN4 protein function with a positive predictive value of 80%. In summary, the available evidence is currently insufficient to determine the role of this variant in disease. Therefore, it has been classified as a Variant of Uncertain Significance.